The following continues an entry in ClinVar:

NM_001360.3(DHCR7):c.1A>G (p.Met1Val)

Gene: DHCR7. ClinVar aggregate classification (germline): Pathogenic/Likely pathogenic. Pathogenic (15); Likely pathogenic (3).

Submissions 14 to 21 of 21:

Ambry Genetics
Classification: Pathogenic for Inborn genetic diseases. Last evaluated: 2020-06-01. Review status: criteria provided, single submitter. Criteria: Ambry Variant Classification Scheme 2023. Collection method: clinical testing. Allele origin: germline.
Comment: The alteration results in an initiation codon change: _x000D_ _x000D_ The c.1A>G (p.M1?) alteration is located in exon 3 (coding exon 1) of the DHCR7 gene and results from an A to G substitution at nucleotide position 1. This alters the methionine residue at the initiation codon. Sequence variations that modify the initiation codon (ATG) are typically deleterious in nature as they are expected to result in either loss of translation initiation, N-terminal truncation, or cause a shift in the mRNA reading frame. However, there is an in-frame methionine 59 amino acids downstream, which may act as an alternative initiation codon and result in an N-terminal truncation; however, direct evidence is unavailable and the significance of the N-terminus for this protein is not well established. The alteration is rare in population databases: _x000D_ _x000D_ Based on data from the Genome Aggregation Database (gnomAD), the c.1A>G alteration was observed in 0.0014% (4/282880) of total alleles studied, with a frequency of 0.0023% (3/129192) in the European (non-Finnish) subpopulation. The alteration has been observed in affected individuals:_x000D_ _x000D_ The c.1A>G (p.M1?) alteration has been reported in multiple patients with a confirmed biochemical diagnosis of SLOS along with a second disease-causing mutation. Several patients have been reported to have mild clinical symptoms despite co-occuring with a severe allele (Bianconi, 2011; Eroglu, 2017; Scalco, 2005; Witsch-Baumgartner, 2004). The altered amino acid is conserved throughout evolution:_x000D_ _x000D_ The p.M1 amino acid is conserved in available vertebrate species. Based on the available evidence, this alteration is classified as pathogenic.

Genomic Research Center, Shahid Beheshti University of Medical Sciences
Classification: Pathogenic for Smith-Lemli-Opitz syndrome. Last evaluated: 2019-01-01. Review status: criteria provided, single submitter. Criteria: ACMG Guidelines, 2015. Collection method: clinical testing. Allele origin: unknown. Affected: yes. Observed: 1 variant allele.

Women's Health and Genetics/Laboratory Corporation of America, LabCorp
Classification: Likely pathogenic for Smith-Lemli-Opitz syndrome. Last evaluated: 2017-07-20. Review status: criteria provided, single submitter. Criteria: LabCorp Variant Classification Summary - May 2015. Collection method: clinical testing. Allele origin: germline.
Comment: Variant summary: The DHCR7 c.1A>G (p.Met1Val) variant involves the alteration of a conserved nucleotide. 2/4 in silico tools predict a benign outcome for this variant (SNPsandGO not captured due to low reliability index). This variant was found in 3/121390 control chromosomes at a frequency of 0.0000247, which does not exceed the estimated maximal expected allele frequency of a pathogenic DHCR7 variant (0.0043301). This variant has been reported in multiple compound heterozygous SLOS patients. In addition, multiple clinical diagnostic laboratories/reputable databases classified this variant as likely pathogenic/pathogenic. The variant of interest affects the translational start sight, however, Scalco_2005 indicates that translational initiation at Methionine 59 produces a functional protein. Therefore, suggesting that this would help explain the mild phenotype observed in affected individuals. Taken together, this variant is classified as likely pathogenic.

Center for Pediatric Genomic Medicine, Children's Mercy Hospital and Clinics
Classification: Pathogenic. Last evaluated: 2015-01-30. Review status: criteria provided, single submitter. Criteria: ACMG Guidelines, 2015. Collection method: clinical testing. Allele origin: germline.

Institute for Genomic Statistics and Bioinformatics, University Hospital Bonn
Classification: Pathogenic for Smith-Lemli-Opitz syndrome. Review status: criteria provided, single submitter. Criteria: ACMG Guidelines, 2015. Collection method: clinical testing. Allele origin: unknown. Affected: yes. Observed: 1 variant allele.

Biochemical Molecular Genetic Laboratory, King Abdulaziz Medical City
Classification: Pathogenic for Smith-Lemli-Opitz syndrome. Last evaluated: 2020-05-06. Review status: no assertion criteria provided. Collection method: clinical testing. Allele origin: germline. Affected: yes. Not counted in ClinVar's aggregate classification.

Counsyl
Classification: Likely pathogenic for Smith-Lemli-Opitz syndrome. Last evaluated: 2014-10-07. Review status: no assertion criteria provided. Collection method: literature only. Allele origin: unknown. Inheritance: Autosomal recessive inheritance. Not counted in ClinVar's aggregate classification.

OMIM
Classification: Pathogenic for SMITH-LEMLI-OPITZ SYNDROME, MILD. Last evaluated: 2005-07-30. Review status: no assertion criteria provided. Collection method: literature only. Allele origin: germline. Not counted in ClinVar's aggregate classification.

Literature cited by the submitters: PubMed 35305950 (cited by Victorian Clinical Genetics Services, Murdoch Childrens Research Institute); PubMed 12949967 (cited by Labcorp Genetics (formerly Invitae), Labcorp and Mayo Clinic Laboratories, Mayo Clinic); PubMed 15776424 (cited by 4 submitters); PubMed 15952211 (cited by 6 submitters); PubMed 16983147 (cited by 3 submitters); PubMed 21990131 (cited by 5 submitters); PubMed 22391996 (cited by 3 submitters); PubMed 24500076 (cited by Mayo Clinic Laboratories, Mayo Clinic and Women's Health and Genetics/Laboratory Corporation of America, LabCorp); PubMed 28166604 (cited by Mayo Clinic Laboratories, Mayo Clinic); PubMed 15286151 (cited by Ambry Genetics); PubMed 28349652 (cited by Ambry Genetics); PubMed 9634533 (cited by Counsyl and OMIM).